The following is an entry in ClinVar:

ClinVar aggregate classification (germline): Uncertain significance. Review status: criteria provided, multiple submitters, no conflicts (2 of 4 stars). 2 submissions from 2 submitters: Uncertain significance (2). Last evaluated 2023-03-17.

Conditions:
Inborn genetic diseases. Identifiers: MedGen C0950123, MeSH D030342.

Allele frequency attached by ClinVar (database versions not stated): gnomAD exomes 0.00002; ExAC 0.00004; gnomAD 0.00019; TOPMed 0.00019; 1000 Genomes Project 0.00020; ESP Exome Variant Server 0.00031; 1000 Genomes Project 30x 0.00047.
gnomAD v4.1: 65 of 1,612,812 alleles (0.004%); highest among the groups gnomAD compares: African/African-American, 0.069%; no homozygotes.

Submissions (2):

GeneDx
Classification: Uncertain significance. Last evaluated: 2023-03-17. Review status: criteria provided, single submitter. Criteria: GeneDx Variant Classification Process June 2021. Collection method: clinical testing. Allele origin: germline. Affected: yes.
Comment: In silico analysis supports that this missense variant has a deleterious effect on protein structure/function; Has not been previously published as pathogenic or benign to our knowledge

Ambry Genetics
Classification: Uncertain significance for Inborn genetic diseases. Last evaluated: 2021-09-17. Review status: criteria provided, single submitter. Criteria: Ambry Variant Classification Scheme 2023. Collection method: clinical testing. Allele origin: germline.

NM_032536.4(NTNG2):c.547C>G (p.Arg183Gly)

Gene: NTNG2 (netrin G2; plus strand). Cytogenetic location: 9q34.13.
Variant type: single nucleotide variant.
Coding change: c.547C>G on transcript NM_032536.4 (MANE Select); coding-DNA position 547, C replaced by G.
Protein change: p.Arg183Gly; replaces arginine 183 with glycine.
Molecular consequence: missense variant.
Genome position (GRCh38, 1-based): chr9:132,198,299, C>G. VCF-style: chr9-132198299-C-G. GRCh37 (hg19) VCF-style: chr9-135073686-C-G.
Other names: short protein forms R183G.
Identifiers: ClinVar variation 2268940 (VCV002268940.3), dbSNP rs145960048, ClinGen allele CA5295942.